The following is an entry in ClinVar:

ClinVar aggregate classification (germline): Conflicting classifications of pathogenicity. Review status: criteria provided, conflicting classifications (1 of 4 stars). 29 submissions from 28 submitters: Uncertain significance (20); Likely benign (3). 6 of the submissions do not count toward it. Last evaluated 2026-09-21.

Conditions:
CHEK2-related cancer predisposition (TPDS4). Also called: TUMOR PREDISPOSITION SYNDROME 4; CANCER PREDISPOSITION SYNDROME, CHEK2-RELATED; CHEK2-related cancer susceptibility. Identifiers: Orphanet 524, MedGen C5882668, MONDO:0700271, OMIM 609265.
Bone osteosarcoma. Also called: Osteosarcoma, somatic. Identifiers: Orphanet 668, MedGen C0585442, MONDO:0002629, OMIM 259500.
Familial prostate cancer. Also called: Hereditary Prostate Cancer. Identifiers: MedGen C2931456, MONDO:0700275, OMIM 176807.
CHEK2-related disorder.
Breast and/or ovarian cancer. Identifiers: MedGen CN221562.
Familial cancer of breast. Also called: BREAST CANCER, FAMILIAL; hereditary breast carcinoma; Hereditary breast cancer. Identifiers: Orphanet 227535, MedGen C0346153, MONDO:0016419, OMIM 114480. Disease mechanism: loss of function.
Prostate cancer. Also called: Malignant tumor of prostate. Identifiers: Orphanet 1331, MedGen C0376358, MONDO:0008315, HP:0012125.
Hereditary cancer-predisposing syndrome. Also called: Neoplastic Syndromes, Hereditary; Hereditary neoplastic syndrome; Hereditary Cancer Syndrome; Tumor predisposition. Identifiers: Orphanet 140162, MedGen C0027672, MeSH D009386, MONDO:0015356.
Hereditary breast ovarian cancer syndrome. Also called: Breast and ovarian cancer; Hereditary breast and/or ovarian cancer syndrome; Hereditary breast and ovarian cancer syndrome; Hereditary breast and ovarian cancer syndrome (HBOC); Hereditary breast and ovarian cancer; BRCA1- and BRCA2-Associated Hereditary Breast and Ovarian Cancer. Identifiers: Orphanet 145, MedGen C0677776, MeSH D061325, MONDO:0003582. Disease mechanism: loss of function.
Malignant tumor of breast. Also called: Cancer breast; Malignant breast neoplasm. Identifiers: MedGen C0006142, MONDO:0007254. Disease mechanism: loss of function.

Allele frequency attached by ClinVar (database versions not stated): gnomAD exomes 0.00014 and 0.00029; gnomAD 0.00019; TOPMed 0.00019; ESP Exome Variant Server 0.00023; ExAC 0.00029.
gnomAD v4.1: 245 of 1,593,488 alleles (0.015%); highest among the groups gnomAD compares: Non-Finnish European, 0.0022%; 1 homozygote.

Submissions 1 to 4 of 29:

PreventionGenetics, part of Exact Sciences
Classification: Uncertain significance for CHEK2-related condition. Last evaluated: 2026-09-21. Review status: criteria provided, single submitter. Criteria: ACMG Guidelines, 2015. Collection method: clinical testing. Allele origin: germline.
Comment: The CHEK2 c.1270T>C variant is predicted to result in the amino acid substitution p.Tyr424His. This variant has been reported in individuals with breast cancer, individuals with prostate cancer, and individuals undergoing clinical diagnostic testing (Table 1,Laitman et al. 2007. PubMed ID: 18085035; Table S1, Selkirk et al. 2014. PubMed ID: 25117502; Table S1, Tung et al. 2014. PubMed ID: 25186627; Table S6, Couch et al. 2014. PubMed ID: 25452441; Table S1, Lerner-Ellis et al. 2020. PubMed ID: 32885271; Table 2, Gomes et al. 2020. PubMed ID: 33128190; Figure 1, Kirchner et al. 2022. PubMed ID: 36360192). It has been reported in individuals of Ashkenazi Jewish descent with unspecified cancer histories (Table 2, Diaz-Velasquez et al. 2023. PubMed ID:36845387). It has been observed as a germline variant in a colorectal cancer tumor (eWorksheet, ID# 403, Hampel et al. 2018. PubMed ID: 29596542). The results of in vitro and in vivo (yeast) experimental studies of this variant are conflicting (Figure 1, Tischkowitz et al. 2008. PubMed ID: 18571837; Table 1, Roeb et al. 2012. PubMed ID: 22419737; Delimitsou et al. 2019. PubMed ID: 30851065; Table 1, Kleiblova et al. 2019. PubMed ID: 31050813). This variant is reported in 0.61% of alleles in individuals of Ashkenazi Jewish descent in gnomAD. It is interpreted as uncertain significance by the vast majority of submitters in ClinVar (Variation ID: 128054). At this time, the clinical significance of this variant is uncertain due to the absence of conclusive functional and genetic evidence.

Labcorp Genetics (formerly Invitae), Labcorp
Classification: Uncertain significance for Familial cancer of breast. Last evaluated: 2026-02-04. Review status: criteria provided, single submitter. Criteria: Invitae Variant Classification Sherloc (09022015). Collection method: clinical testing. Allele origin: germline.
Comment: This sequence change replaces tyrosine, which is neutral and polar, with histidine, which is basic and polar, at codon 424 of the CHEK2 protein (p.Tyr424His). This variant is present in population databases (rs139366548, gnomAD 0.6%), and has an allele count higher than expected for a pathogenic variant. This missense change has been observed in individual(s) with breast, uterine, and prostate cancer (PMID: 18085035, 18571837, 22419737, 30374176). ClinVar contains an entry for this variant (Variation ID: 128054). An algorithm developed to predict the effect of missense changes on protein structure and function (PolyPhen-2) suggests that this variant is likely to be disruptive. Experimental studies are conflicting or provide insufficient evidence to determine the effect of this variant on CHEK2 function (PMID: 18571837, 22419737, 30851065, 37449874, 39146382). RNA analysis performed to evaluate the impact of this missense change on mRNA splicing indicates it does not significantly alter splicing (internal data). In summary, the available evidence is currently insufficient to determine the role of this variant in disease. Therefore, it has been classified as a Variant of Uncertain Significance.

Women's Health and Genetics/Laboratory Corporation of America, LabCorp
Classification: Uncertain significance. Last evaluated: 2026-01-14. Review status: criteria provided, single submitter. Criteria: LabCorp Variant Classification Summary - May 2015. Collection method: clinical testing. Allele origin: germline.
Comment: Variant summary: CHEK2 c.1270T>C (p.Tyr424His) results in a conservative amino acid change in the encoded protein sequence. Algorithms developed to predict the effect of missense changes on protein structure and function are either unavailable or do not agree on the potential impact of this missense change. The variant allele was found at a frequency of 0.00029 in 250548 control chromosomes. This frequency is not significantly higher than estimated for disease-causing variants in CHEK2, allowing no conclusion about variant significance. c.1270T>C has been reported in the literature in numerous individuals affected with various cancers, including breast, prostate, colon, neuroblastoma and gastric cancer (e.g. Couch_2015, Kleiblova_2019, Laitman_2007, Roeb_2012, Tischkowitz_2008, Tung_2015, Bhai_2021, Wagener_2023, Lim_2023, McCarthy-Leo_2024, Bishop_2020, Gomes_2021, Kirchner_2022, Stolarova_2023). Family studies carried out by some groups demonstrated the variant did not completely segregate with disease (e.g. Roeb_2012, Tischkowitz_2008). This variant was also present in both case and control cohorts in a large study evaluating risk of breast cancer by the Breast Cancer Association Consortium (Dorling_2021). Although, functional studies provided conflicting evidence as to whether the variant has a deleterious or benign effect (Delimitsou_2019, Kleiblova_2019, Roeb_2012, Tischkowitz_2008, Stolarova_2023). These data indicate that the variant may be associated with disease. The following publications have been ascertained in the context of this evaluation (PMID: 34326862, 31415627, 25452441, 30851065, 36845387, 33471991, 29596542, 31050813, 18085035, 22419737, 25117502, 18571837, 30374176, 25186627, 26580448, 27248180, 35643632, 36468172, 36315097, 39208550, 40503579, 33939675, 33692755, 29725535, 33747920, 35534704, 32866190, 30447919, 34663923, 33128190, 30154229, 36360192, 37449874, 30541756, 31398194, 37842866, 37463056, 34160418, 24628946). ClinVar contains an entry for this variant (Variation ID: 128054). Based on the evidence outlined above, the variant was classified as VUS-possibly pathogenic.

Color Diagnostics, LLC DBA Color Health
Classification: Uncertain significance for Hereditary cancer-predisposing syndrome. Last evaluated: 2025-11-11. Review status: criteria provided, single submitter. Criteria: ACMG Guidelines, 2015. Collection method: clinical testing. Allele origin: germline.
Comment: This missense variant replaces tyrosine with histidine at codon 424 of the CHEK2 protein. Computational prediction is inconclusive regarding the impact of this variant on protein structure and function. Human cell kinase assays have shown that the mutant protein decreases KAP1 phosphorylation but does not impact CHEK2 autophosphorylation (PMID: 31050813, 37449874), the mutant protein has also been reported to be defective in two of three yeast complementation assays (PMID: 18571837, 22419737, 30851065). This variant has been reported in individuals affected with breast cancer, colon cancer, and prostate cancer, but also found in control individuals (PMID: 18085035, 18571837, 22419737, 25186627, 25452441, 29596542, 31050813, 33471991, 36315097). This variant has been reported in a large breast cancer case-control meta-analysis in 29/73048 cases and 15/88658 controls (OR=2.3465, 95%CI 1.2579 to 4.3769, p=0.0073) (PMID: 37449874). This variant has been identified in 74/281950 chromosomes (63/10344 Ashkenazi Jewish chromosomes) in the general population by the Genome Aggregation Database (gnomAD). The available evidence is insufficient to determine the role of this variant in disease conclusively. Therefore, this variant is classified as a Variant of Uncertain Significance.

NM_007194.4(CHEK2):c.1270T>C (p.Tyr424His)

Gene: CHEK2 (checkpoint kinase 2; minus strand). Cytogenetic location: 22q12.1.
Variant type: single nucleotide variant.
Coding change: c.1270T>C on transcript NM_007194.4 (MANE Select); coding-DNA position 1270, T replaced by C.
Protein change: p.Tyr424His; replaces tyrosine 424 with histidine.
Molecular consequence: missense variant.
Genome position (GRCh38, 1-based): chr22:28,695,232, A>G on the plus strand (T>C on the coding strand, the complement: CHEK2 is on the minus strand). VCF-style: chr22-28695232-A-G. GRCh37 (hg19) VCF-style: chr22-29091220-A-G.
Other names: p.Y424H:TAT>CAT; c.1399T>C, p.Tyr467His (NM_001005735.3); c.607T>C, p.Tyr203His (NM_001257387.3); c.1069T>C, p.Tyr357His (NM_001349956.3); c.1183T>C, p.Tyr395His (NM_145862.3); short protein forms Y424H, Y357H, Y203H, Y467H, Y395H.
Identifiers: ClinVar variation 128054 (VCV000128054.73), dbSNP rs139366548, ClinGen allele CA288272.